The following is an entry in ClinVar:

ClinVar aggregate classification (germline): Uncertain significance. Review status: criteria provided, multiple submitters, no conflicts (2 of 4 stars). 2 submissions from 2 submitters: Uncertain significance (2). Last evaluated 2024-10-30.

Conditions:
Hermansky-Pudlak syndrome 4 (HPS4). Identifiers: Orphanet 231500, Orphanet 79430, MedGen C3484357, MONDO:0013556, OMIM 614073.

Allele frequency attached by ClinVar (database versions not stated): ExAC 0.00001; gnomAD exomes 0.00001.
gnomAD v4.1: 4 of 1,614,010 alleles (0.00025%); highest among the groups gnomAD compares: Non-Finnish European, 0.00034%; no homozygotes.

Submissions (2):

Labcorp Genetics (formerly Invitae), Labcorp
Classification: Uncertain significance. Last evaluated: 2024-10-30. Review status: criteria provided, single submitter. Criteria: Invitae Variant Classification Sherloc (09022015). Collection method: clinical testing. Allele origin: germline.
Comment: This sequence change replaces valine, which is neutral and non-polar, with isoleucine, which is neutral and non-polar, at codon 213 of the HPS4 protein (p.Val213Ile). This variant is present in population databases (rs766791829, gnomAD 0.002%). This variant has not been reported in the literature in individuals affected with HPS4-related conditions. ClinVar contains an entry for this variant (Variation ID: 901646). An algorithm developed to predict the effect of missense changes on protein structure and function outputs the following: PolyPhen-2: "Benign". The isoleucine amino acid residue is found in multiple mammalian species, which suggests that this missense change does not adversely affect protein function. In summary, the available evidence is currently insufficient to determine the role of this variant in disease. Therefore, it has been classified as a Variant of Uncertain Significance.

Illumina Laboratory Services, Illumina
Classification: Uncertain significance for Hermansky-Pudlak syndrome 4. Last evaluated: 2018-01-12. Review status: criteria provided, single submitter. Criteria: ICSL Variant Classification Criteria 13 December 2019. Collection method: clinical testing. Allele origin: germline.

NM_022081.6(HPS4):c.637G>A (p.Val213Ile)

Gene: HPS4 (HPS4 biogenesis of lysosomal organelles complex 3 subunit 2; minus strand). Cytogenetic location: 22q12.1.
Variant type: single nucleotide variant.
Coding change: c.637G>A on transcript NM_022081.6 (MANE Select); coding-DNA position 637, G replaced by A.
Protein change: p.Val213Ile; replaces valine 213 with isoleucine.
Molecular consequence: missense variant. On other transcripts: non-coding transcript variant (8).
Genome position (GRCh38, 1-based): chr22:26,468,583, C>T on the plus strand (G>A on the coding strand, the complement: HPS4 is on the minus strand). VCF-style: chr22-26468583-C-T. GRCh37 (hg19) VCF-style: chr22-26864549-C-T.
Other names: c.637G>A, p.Val213Ile (NM_001349896.1, NM_001349898.2, NM_001349899.2 and 6 more transcripts); c.622G>A, p.Val208Ile (NM_152841.2); short protein forms V208I, V213I.
Identifiers: ClinVar variation 901646 (VCV000901646.7), dbSNP rs766791829, ClinGen allele CA10163608.